The following is an entry in ClinVar:

ClinVar aggregate classification (germline): Uncertain significance (1 of 4 stars; one submission).

Allele frequency attached by ClinVar (database versions not stated): gnomAD exomes below 0.00001.
gnomAD v4.1: 1 of 1,614,076 alleles (0.000062%); highest among the groups gnomAD compares: Non-Finnish European, 0.000085%; no homozygotes.

Submission:

Mayo Clinic Laboratories, Mayo Clinic
Classification: Uncertain significance. Last evaluated: 2022-12-16. Review status: criteria provided, single submitter. Criteria: ACMG Guidelines, 2015. Collection method: clinical testing. Allele origin: germline. Observed: 1 variant allele.
Comment: PP3, PM2

NM_000426.4(LAMA2):c.4679G>A (p.Cys1560Tyr)

Gene: LAMA2 (laminin subunit alpha 2; plus strand). Cytogenetic location: 6q22.33.
Variant type: single nucleotide variant.
Coding change: c.4679G>A on transcript NM_000426.4 (MANE Select); coding-DNA position 4679, G replaced by A.
Protein change: p.Cys1560Tyr; replaces cysteine 1560 with tyrosine.
Molecular consequence: missense variant.
Genome position (GRCh38, 1-based): chr6:129,353,319, G>A. VCF-style: chr6-129353319-G-A. GRCh37 (hg19) VCF-style: chr6-129674464-G-A.
Other names: p.Cys1560Tyr; c.4679G>A, p.Cys1560Tyr (NM_001079823.2); short protein forms C1560Y.
Identifiers: ClinVar variation 2682952 (VCV002682952.1), dbSNP rs2482575811, ClinGen allele CA365618767.